The following is an entry in ClinVar:

ClinVar aggregate classification (germline): Likely benign. Review status: criteria provided, multiple submitters, no conflicts (2 of 4 stars). 3 submissions from 3 submitters: Likely benign (3). Last evaluated 2025-07-23.

Conditions:
Hereditary cancer-predisposing syndrome. Also called: Tumor predisposition; Neoplastic Syndromes, Hereditary; Hereditary Cancer Syndrome; Hereditary neoplastic syndrome. Identifiers: Orphanet 140162, MedGen C0027672, MeSH D009386, MONDO:0015356.
Familial cancer of breast. Also called: BREAST CANCER, FAMILIAL; hereditary breast carcinoma; Hereditary breast cancer. Identifiers: Orphanet 227535, MedGen C0346153, MONDO:0016419, OMIM 114480. Disease mechanism: loss of function.
Ataxia-telangiectasia syndrome (AT). Also called: Ataxia-telangiectasia; Ataxia-telangiectasia, complementation group D; AT, COMPLEMENTATION GROUP C; LOUIS-BAR SYNDROME; Cerebello-oculocutaneous telangiectasia; Immunodeficiency with ataxia telangiectasia. Identifiers: Orphanet 100, MedGen C0004135, MONDO:0008840, OMIM 208900.

Allele frequency attached by ClinVar (database versions not stated): ExAC 0.00001; gnomAD 0.00001; gnomAD exomes 0.00001; TOPMed 0.00001; ESP Exome Variant Server 0.00016.

Submissions (3):

Labcorp Genetics (formerly Invitae), Labcorp
Classification: Likely benign for Ataxia-telangiectasia syndrome. Last evaluated: 2025-07-23. Review status: criteria provided, single submitter. Criteria: Invitae Variant Classification Sherloc (09022015). Collection method: clinical testing. Allele origin: germline.

Myriad Genetics, Inc.
Classification: Likely benign for Familial cancer of breast. Last evaluated: 2024-05-17. Review status: criteria provided, single submitter. Criteria: Myriad Autosomal Dominant, Autosomal Recessive and X-Linked Classification Criteria (2023). Collection method: clinical testing. Allele origin: unknown.
Comment: This variant is considered likely benign. This variant is intronic and is not expected to impact mRNA splicing.

Color Diagnostics, LLC DBA Color Health
Classification: Likely benign for Hereditary cancer-predisposing syndrome. Last evaluated: 2016-10-06. Review status: criteria provided, single submitter. Criteria: ACMG Guidelines, 2015. Collection method: clinical testing. Allele origin: germline.

NM_000051.4(ATM):c.4437-13dup

Gene: ATM (ATM serine/threonine kinase; plus strand). Cytogenetic location: 11q22.3.
Variant type: Duplication.
Coding change: c.4437-13dup on transcript NM_000051.4 (MANE Select); 13 bases into the intron before coding-DNA position 4437, one base duplicated (C; older notation c.4437-13dupC).
Molecular consequence: intron variant.
Genome position (GRCh38, 1-based): chr11:108,292,606, C duplicated. VCF-style (leftmost placement, unchanged base first): chr11-108292605-T-TC. GRCh37 (hg19) VCF-style: chr11-108163332-T-TC.
Other names: c.4437-13dupC (NM_000051.3); c.4437-13dup (NM_001351834.2).
Identifiers: ClinVar variation 490571 (VCV000490571.13), dbSNP rs1555099701, ClinGen allele CA6265470.
Genomic context (GRCh38, chr11:108,292,605, plus strand): 5'-TCTGAATGAATTTATTTCAGAGTAATTTTCCAGAACTTACTGGTTGTTGTTGTTTTTTTT[T>TC]CTCCCTATATTAGGCCTTCTTGTATCATGGATGTGTCATTACGTAGCTTCTCCCTTTGTT-3'